The following is an entry in ClinVar:

ClinVar aggregate classification (germline): Uncertain significance. Review status: criteria provided, multiple submitters, no conflicts (2 of 4 stars). 2 submissions from 2 submitters: Uncertain significance (2). Last evaluated 2025-10-18.

Conditions:
Immunodeficiency. Identifiers: MedGen C0021051, MONDO:0021094, HP:0002721.

gnomAD v4.1: 7 of 1,597,554 alleles (0.00044%); highest among the groups gnomAD compares: Non-Finnish European, 0.0006%; no homozygotes.

Submissions (2):

Ambry Genetics
Classification: Uncertain significance. Last evaluated: 2025-10-18. Review status: criteria provided, single submitter. Criteria: Ambry Variant Classification Scheme 2023. Collection method: clinical testing. Allele origin: germline.

Labcorp Genetics (formerly Invitae), Labcorp
Classification: Uncertain significance for Immunodeficiency. Last evaluated: 2020-08-24. Review status: criteria provided, single submitter. Criteria: Invitae Variant Classification Sherloc (09022015). Collection method: clinical testing. Allele origin: germline.
Comment: In summary, the available evidence is currently insufficient to determine the role of this variant in disease. Therefore, it has been classified as a Variant of Uncertain Significance. Algorithms developed to predict the effect of missense changes on protein structure and function output the following: SIFT: "Tolerated"; PolyPhen-2: "Benign"; Align-GVGD: "Class C0". The serine amino acid residue is found in multiple mammalian species, suggesting that this missense change does not adversely affect protein function. These predictions have not been confirmed by published functional studies and their clinical significance is uncertain. This variant has not been reported in the literature in individuals with NFAT5-related conditions. This variant is not present in population databases (ExAC no frequency). This sequence change replaces threonine with serine at codon 544 of the NFAT5 protein (p.Thr544Ser). The threonine residue is weakly conserved and there is a small physicochemical difference between threonine and serine.

NM_138713.4(NFAT5):c.1912A>T (p.Thr638Ser)

Gene: NFAT5 (nuclear factor of activated T cells 5; plus strand). Cytogenetic location: 16q22.1.
Variant type: single nucleotide variant.
Coding change: c.1912A>T on transcript NM_138713.4 (MANE Select); coding-DNA position 1912, A replaced by T.
Protein change: p.Thr638Ser; replaces threonine 638 with serine.
Molecular consequence: missense variant.
Genome position (GRCh38, 1-based): chr16:69,691,077, A>T. VCF-style: chr16-69691077-A-T. GRCh37 (hg19) VCF-style: chr16-69724980-A-T.
Other names: c.1909A>T, p.Thr637Ser (NM_001113178.3); c.1237A>T, p.Thr413Ser (NM_001367709.1); c.1858A>T, p.Thr620Ser (NM_006599.4); c.1630A>T, p.Thr544Ser (NM_138714.4, NM_173214.3, NM_173215.3); c.1912A>T (NM_138713.3); short protein forms T413S, T544S, T620S, T637S, T638S.
Identifiers: ClinVar variation 1015161 (VCV001015161.9), dbSNP rs753691324, ClinGen allele CA283373104.